The following is an entry in ClinVar:

ClinVar aggregate classification (germline): Uncertain significance (1 of 4 stars; one submission).

Conditions:
Intellectual developmental disorder, autosomal dominant 1. Also called: Intellectual disability, autosomal dominant 1; MBD5 Haploinsufficiency. Identifiers: Orphanet 228402, MedGen C1969562, MONDO:0007974, OMIM 156200.

Submission:

Labcorp Genetics (formerly Invitae), Labcorp
Classification: Uncertain significance for Intellectual developmental disorder, autosomal dominant 1. Last evaluated: 2024-12-02. Review status: criteria provided, single submitter. Criteria: Invitae Variant Classification Sherloc (09022015). Collection method: clinical testing. Allele origin: germline.
Comment: This sequence change replaces glutamic acid, which is acidic and polar, with alanine, which is neutral and non-polar, at codon 1183 of the MBD5 protein (p.Glu1183Ala). This variant is not present in population databases (gnomAD no frequency). This variant has not been reported in the literature in individuals affected with MBD5-related conditions. ClinVar contains an entry for this variant (Variation ID: 2754662). Experimental studies and prediction algorithms are not available or were not evaluated, and the functional significance of this variant is currently unknown. In summary, the available evidence is currently insufficient to determine the role of this variant in disease. Therefore, it has been classified as a Variant of Uncertain Significance.

NM_001378120.1(MBD5):c.4247A>C (p.Glu1416Ala)

Gene: MBD5 (methyl-CpG binding domain protein 5; plus strand). Cytogenetic location: 2q23.1.
Variant type: single nucleotide variant.
Coding change: c.4247A>C on transcript NM_001378120.1 (MANE Select); coding-DNA position 4247, A replaced by C.
Protein change: p.Glu1416Ala; replaces glutamic acid 1416 with alanine.
Molecular consequence: missense variant.
Genome position (GRCh38, 1-based): chr2:148,489,879, A>C. VCF-style: chr2-148489879-A-C. GRCh37 (hg19) VCF-style: chr2-149247448-A-C.
Other names: c.3548A>C, p.Glu1183Ala (NM_018328.5); short protein forms E1183A, E1416A.
Identifiers: ClinVar variation 2754662 (VCV002754662.3), dbSNP rs781565307, ClinGen allele CA348728331.